The following is an entry in ClinVar:

NM_004463.3(FGD1):c.276T>G (p.Ser92=)

Gene: FGD1 (FYVE, RhoGEF and PH domain containing 1; minus strand). Cytogenetic location: Xp11.22.
Variant type: single nucleotide variant.
Coding change: c.276T>G on transcript NM_004463.3 (MANE Select); coding-DNA position 276, T replaced by G.
Protein change: p.Ser92=; no amino-acid change (serine 92 retained).
Molecular consequence: synonymous variant.
Genome position (GRCh38, 1-based): chrX:54,495,157, A>C on the plus strand (T>G on the coding strand, the complement: FGD1 is on the minus strand). VCF-style: chrX-54495157-A-C. GRCh37 (hg19) VCF-style: chrX-54521590-A-C.
Identifiers: ClinVar variation 3067587 (VCV003067587.21), dbSNP rs2522741347, ClinGen allele CA516574654.

ClinVar aggregate classification (germline): Likely benign (1 of 4 stars; one submission).

Submission:

CeGaT Center for Human Genetics Tuebingen
Classification: Likely benign. Last evaluated: 2024-03-01. Review status: criteria provided, single submitter. Criteria: CeGaT Center For Human Genetics Tuebingen Variant Classification Criteria Version 2. Collection method: clinical testing. Allele origin: germline. Affected: yes. Observed: 1 variant allele.
Comment: FGD1: PM2:Supporting, BP4, BP7